The following is an entry in ClinVar:

NM_001127453.2(GSDME):c.544G>A (p.Gly182Ser)

Gene: GSDME (gasdermin E; minus strand). Cytogenetic location: 7p15.3.
Variant type: single nucleotide variant.
Coding change: c.544G>A on transcript NM_001127453.2 (MANE Select); coding-DNA position 544, G replaced by A.
Protein change: p.Gly182Ser; replaces glycine 182 with serine.
Molecular consequence: missense variant.
Genome position (GRCh38, 1-based): chr7:24,719,079, C>T on the plus strand (G>A on the coding strand, the complement: GSDME is on the minus strand). VCF-style: chr7-24719079-C-T. GRCh37 (hg19) VCF-style: chr7-24758698-C-T.
Other names: c.52G>A, p.Gly18Ser (NM_001127454.2); c.544G>A, p.Gly182Ser (NM_004403.3); short protein forms G182S, G18S.
Identifiers: ClinVar variation 359853 (VCV000359853.6), dbSNP rs745411723, ClinGen allele CA4191709.

ClinVar aggregate classification (germline): Uncertain significance. Review status: criteria provided, multiple submitters, no conflicts (2 of 4 stars). 2 submissions from 2 submitters: Uncertain significance (2). Last evaluated 2025-05-19.

Conditions:
GSDME-related disorder. Also called: GSDME-related condition.
Autosomal dominant nonsyndromic hearing loss 5. Identifiers: Orphanet 90635, MedGen C1832932, MONDO:0010973, OMIM 600994.

Allele frequency attached by ClinVar (database versions not stated): TOPMed below 0.00001; gnomAD exomes 0.00001; ExAC 0.00002.
gnomAD v4.1: 3 of 1,613,358 alleles (0.00019%); highest among the groups gnomAD compares: East Asian, 0.0045%; no homozygotes.

Submissions (2):

PreventionGenetics, part of Exact Sciences
Classification: Uncertain significance for GSDME-related condition. Last evaluated: 2025-05-19. Review status: criteria provided, single submitter. Criteria: ACMG Guidelines, 2015. Collection method: clinical testing. Allele origin: germline.
Comment: The GSDME c.544G>A variant is predicted to result in the amino acid substitution p.Gly182Ser. To our knowledge, this variant has not been reported in the literature. This variant is reported in 0.011% of alleles in individuals of East Asian descent in gnomAD. Although we suspect that this variant may be benign, at this time, the clinical significance of this variant is uncertain due to the absence of conclusive functional and genetic evidence.

Illumina Laboratory Services, Illumina
Classification: Uncertain significance for Autosomal dominant nonsyndromic hearing loss 5. Last evaluated: 2018-01-13. Review status: criteria provided, single submitter. Criteria: ICSL Variant Classification Criteria 13 December 2019. Collection method: clinical testing. Allele origin: germline.